The following is an entry in ClinVar:

ClinVar aggregate classification (germline): Conflicting classifications of pathogenicity. Review status: criteria provided, conflicting classifications (1 of 4 stars). 3 submissions from 3 submitters: Uncertain significance (1); Likely benign (1). 1 of the submissions does not count toward it. Last evaluated 2025-02-01.

Conditions:
STARD9-related disorder. Also called: STARD9-related condition.

Allele frequency attached by ClinVar (database versions not stated): 1000 Genomes Project 30x 0.00031; 1000 Genomes Project 0.00040; ExAC 0.00057; TOPMed 0.00097; ESP Exome Variant Server 0.00175; gnomAD exomes 0.00191.
gnomAD v4.1: 2,769 of 1,537,154 alleles (0.18%); highest among the groups gnomAD compares: Non-Finnish European, 0.23%; 4 homozygotes.

Submissions (3):

CeGaT Center for Human Genetics Tuebingen
Classification: Likely benign. Last evaluated: 2025-02-01. Review status: criteria provided, single submitter. Criteria: CeGaT Center For Human Genetics Tuebingen Variant Classification Criteria Version 2. Collection method: clinical testing. Allele origin: germline. Affected: yes. Observed: 2 variant alleles.
Comment: STARD9: BP4

Ambry Genetics
Classification: Uncertain significance. Last evaluated: 2021-09-15. Review status: criteria provided, single submitter. Criteria: Ambry Variant Classification Scheme 2023. Collection method: clinical testing. Allele origin: germline.

PreventionGenetics, part of Exact Sciences
Classification: Likely benign for STARD9-related condition. Last evaluated: 2022-04-21. Review status: no assertion criteria provided. Collection method: clinical testing. Allele origin: germline. Not counted in ClinVar's aggregate classification.
Comment: This variant is classified as likely benign based on ACMG/AMP sequence variant interpretation guidelines (Richards et al. 2015 PMID: 25741868, with internal and published modifications).

NM_020759.3(STARD9):c.9796G>A (p.Gly3266Ser)

Gene: STARD9 (StAR related lipid transfer domain containing 9; plus strand). Cytogenetic location: 15q15.2.
Variant type: single nucleotide variant.
Coding change: c.9796G>A on transcript NM_020759.3 (MANE Select); coding-DNA position 9796, G replaced by A.
Protein change: p.Gly3266Ser; replaces glycine 3266 with serine.
Molecular consequence: missense variant.
Genome position (GRCh38, 1-based): chr15:42,691,374, G>A. VCF-style: chr15-42691374-G-A. GRCh37 (hg19) VCF-style: chr15-42983572-G-A.
Other names: short protein forms G3266S.
Identifiers: ClinVar variation 2212235 (VCV002212235.17), dbSNP rs145869433, ClinGen allele CA7514680.